The following is an entry in ClinVar:

ClinVar aggregate classification (germline): Uncertain significance (1 of 4 stars; one submission).

Conditions:
Epileptic encephalopathy. Identifiers: MedGen C0543888, HP:0200134.

Allele frequency attached by ClinVar (database versions not stated): gnomAD 0.00001; gnomAD exomes 0.00002; TOPMed 0.00002.
gnomAD v4.1: 15 of 1,595,412 alleles (0.00094%); highest among the groups gnomAD compares: Admixed American, 0.0053%; no homozygotes.

Submission:

Labcorp Genetics (formerly Invitae), Labcorp
Classification: Uncertain significance for Epileptic encephalopathy. Last evaluated: 2025-04-17. Review status: criteria provided, single submitter. Criteria: Invitae Variant Classification Sherloc (09022015). Collection method: clinical testing. Allele origin: germline.
Comment: This sequence change replaces proline, which is neutral and non-polar, with leucine, which is neutral and non-polar, at codon 616 of the FASN protein (p.Pro616Leu). The frequency data for this variant in the population databases is considered unreliable, as metrics indicate poor data quality at this position in the gnomAD database. This variant has not been reported in the literature in individuals affected with FASN-related conditions. ClinVar contains an entry for this variant (Variation ID: 862864). An algorithm developed to predict the effect of missense changes on protein structure and function (PolyPhen-2) suggests that this variant is likely to be tolerated. In summary, the available evidence is currently insufficient to determine the role of this variant in disease. Therefore, it has been classified as a Variant of Uncertain Significance.

NM_004104.5(FASN):c.1847C>T (p.Pro616Leu)

Gene: FASN (fatty acid synthase; minus strand). Cytogenetic location: 17q25.3.
Variant type: single nucleotide variant.
Coding change: c.1847C>T on transcript NM_004104.5 (MANE Select); coding-DNA position 1847, C replaced by T.
Protein change: p.Pro616Leu; replaces proline 616 with leucine.
Molecular consequence: missense variant.
Genome position (GRCh38, 1-based): chr17:82,090,398, G>A on the plus strand (C>T on the coding strand, the complement: FASN is on the minus strand). VCF-style: chr17-82090398-G-A. GRCh37 (hg19) VCF-style: chr17-80048274-G-A.
Other names: short protein forms P616L.
Identifiers: ClinVar variation 862864 (VCV000862864.6), dbSNP rs903642159, ClinGen allele CA295136984.